The following is an entry in ClinVar:

ClinVar aggregate classification (germline): Uncertain significance (1 of 4 stars; one submission).

Allele frequency attached by ClinVar (database versions not stated): gnomAD 0.00001; TOPMed 0.00001; ExAC 0.00002; gnomAD exomes 0.00002.
gnomAD v4.1: 26 of 1,613,984 alleles (0.0016%); highest among the groups gnomAD compares: Non-Finnish European, 0.0019%; no homozygotes.

Submission:

Labcorp Genetics (formerly Invitae), Labcorp
Classification: Uncertain significance. Last evaluated: 2024-03-27. Review status: criteria provided, single submitter. Criteria: Invitae Variant Classification Sherloc (09022015). Collection method: clinical testing. Allele origin: germline.
Comment: This sequence change replaces threonine, which is neutral and polar, with proline, which is neutral and non-polar, at codon 1534 of the LRP6 protein (p.Thr1534Pro). This variant is present in population databases (rs779010191, gnomAD 0.005%). This variant has not been reported in the literature in individuals affected with LRP6-related conditions. ClinVar contains an entry for this variant (Variation ID: 1983545). An algorithm developed to predict the effect of missense changes on protein structure and function (PolyPhen-2) suggests that this variant is likely to be disruptive. In summary, the available evidence is currently insufficient to determine the role of this variant in disease. Therefore, it has been classified as a Variant of Uncertain Significance.

NM_002336.3(LRP6):c.4600A>C (p.Thr1534Pro)

Gene: LRP6 (LDL receptor related protein 6; minus strand). Cytogenetic location: 12p13.2.
Variant type: single nucleotide variant.
Coding change: c.4600A>C on transcript NM_002336.3 (MANE Select); coding-DNA position 4600, A replaced by C.
Protein change: p.Thr1534Pro; replaces threonine 1534 with proline.
Molecular consequence: missense variant.
Genome position (GRCh38, 1-based): chr12:12,121,368, T>G on the plus strand (A>C on the coding strand, the complement: LRP6 is on the minus strand). VCF-style: chr12-12121368-T-G. GRCh37 (hg19) VCF-style: chr12-12274302-T-G.
Other names: c.4693A>C, p.Thr1565Pro (NM_001414244.1); c.4600A>C, p.Thr1534Pro (NM_001414245.1); c.4465A>C, p.Thr1489Pro (NM_001414246.1); c.4402A>C, p.Thr1468Pro (NM_001414247.1); c.*76A>C (NM_001414248.1); c.4237A>C, p.Thr1413Pro (NM_001414251.1); c.4147A>C, p.Thr1383Pro (NM_001414252.1, NM_001414253.1, NM_001414254.1); c.4093A>C, p.Thr1365Pro (NM_001414255.1); short protein forms T1365P, T1383P, T1534P, T1489P, T1565P, T1413P, T1468P.
Identifiers: ClinVar variation 1983545 (VCV001983545.4), dbSNP rs779010191, ClinGen allele CA6454888.